The following is an entry in ClinVar:

ClinVar aggregate classification (germline): Uncertain significance (1 of 4 stars; one submission).

Conditions:
Arrhythmogenic right ventricular dysplasia 9 (ARVD9). Also called: Arrhythmogenic Right Ventricular Dysplasia/Cardiomyopathy 9; ARRHYTHMOGENIC RIGHT VENTRICULAR DYSPLASIA, FAMILIAL, 9. Identifiers: MedGen C1836906, MONDO:0012180, OMIM 609040.

Submission:

Labcorp Genetics (formerly Invitae), Labcorp
Classification: Uncertain significance for Arrhythmogenic right ventricular dysplasia 9. Last evaluated: 2025-10-01. Review status: criteria provided, single submitter. Criteria: Invitae Variant Classification Sherloc (09022015). Collection method: clinical testing. Allele origin: germline.
Comment: This sequence change replaces leucine, which is neutral and non-polar, with proline, which is neutral and non-polar, at codon 586 of the PKP2 protein (p.Leu586Pro). This variant is not present in population databases (gnomAD no frequency). This variant has not been reported in the literature in individuals affected with PKP2-related conditions. An algorithm developed to predict the effect of missense changes on protein structure and function (PolyPhen-2) suggests that this variant is likely to be disruptive. In summary, the available evidence is currently insufficient to determine the role of this variant in disease. Therefore, it has been classified as a Variant of Uncertain Significance.

NM_001005242.3(PKP2):c.1625T>C (p.Leu542Pro)

Gene: PKP2 (plakophilin 2; minus strand). Cytogenetic location: 12p11.21.
Variant type: single nucleotide variant.
Coding change: c.1625T>C on transcript NM_001005242.3 (MANE Select); coding-DNA position 1625, T replaced by C.
Protein change: p.Leu542Pro; replaces leucine 542 with proline.
Molecular consequence: missense variant.
Genome position (GRCh38, 1-based): chr12:32,824,094, A>G on the plus strand (T>C on the coding strand, the complement: PKP2 is on the minus strand). VCF-style: chr12-32824094-A-G. GRCh37 (hg19) VCF-style: chr12-32977028-A-G.
Other names: c.1625T>C, p.Leu542Pro (NM_001407155.1, NM_001407156.1, NM_001407161.1); c.1757T>C, p.Leu586Pro (NM_001407157.1, NM_004572.4); c.1298T>C, p.Leu433Pro (NM_001407158.1, NM_001407159.1, NM_001407160.1 and 1 more transcripts); short protein forms L542P, L433P, L586P.
Identifiers: ClinVar variation 4728241 (VCV004728241.1).